The following is an entry in ClinVar:

NM_001089.3(ABCA3):c.4165-8G>A

Gene: ABCA3 (ATP binding cassette subfamily A member 3; minus strand). Cytogenetic location: 16p13.3.
Variant type: single nucleotide variant.
Coding change: c.4165-8G>A on transcript NM_001089.3 (MANE Select); 8 bases into the intron before coding-DNA position 4165, G replaced by A.
Molecular consequence: intron variant.
Genome position (GRCh38, 1-based): chr16:2,281,229, C>T on the plus strand (G>A on the coding strand, the complement: ABCA3 is on the minus strand). VCF-style: chr16-2281229-C-T. GRCh37 (hg19) VCF-style: chr16-2331230-C-T.
Other names: p.?.
Identifiers: ClinVar variation 504719 (VCV000504719.49), dbSNP rs138769732, ClinGen allele CA7840215.

ClinVar aggregate classification (germline): Benign/Likely benign. Review status: criteria provided, multiple submitters, no conflicts (2 of 4 stars). 10 submissions from 10 submitters: Benign (5); Likely benign (5). Last evaluated 2026-06-01.

Conditions:
Hereditary pulmonary alveolar proteinosis. Also called: Pulmonary surfactant metabolism dysfunction. Identifiers: Orphanet 264675, MedGen C3711368, MONDO:0012580.
Interstitial lung disease due to ABCA3 deficiency. Also called: PULMONARY ALVEOLAR PROTEINOSIS, CONGENITAL, 3. Identifiers: Orphanet 440402, MedGen C1970456, MONDO:0012582, OMIM 610921.

Allele frequency attached by ClinVar (database versions not stated): ESP Exome Variant Server 0.00700; gnomAD 0.00753 and 0.00766; gnomAD exomes 0.00786 and 0.00824; ExAC 0.00829; 1000 Genomes Project 30x 0.00390; 1000 Genomes Project 0.00439; TOPMed 0.00605.
gnomAD v4.1: 12,685 of 1,613,398 alleles (0.79%); highest among the groups gnomAD compares: Middle Eastern, 0.82%; 80 homozygotes.

Submissions (10):

CeGaT Center for Human Genetics Tuebingen
Classification: Likely benign. Last evaluated: 2026-06-01. Review status: criteria provided, single submitter. Criteria: CeGaT Center For Human Genetics Tuebingen Variant Classification Criteria Version 2. Collection method: clinical testing. Allele origin: germline. Affected: yes. Observed: 7 variant alleles.
Comment: ABCA3: BP4, BS2

Labcorp Genetics (formerly Invitae), Labcorp
Classification: Benign. Last evaluated: 2026-02-01. Review status: criteria provided, single submitter. Criteria: Invitae Variant Classification Sherloc (09022015). Collection method: clinical testing. Allele origin: germline.

Mayo Clinic Laboratories, Mayo Clinic
Classification: Benign. Last evaluated: 2025-08-13. Review status: criteria provided, single submitter. Criteria: ACMG Guidelines, 2015. Collection method: clinical testing. Allele origin: germline. Observed: 1 variant allele.
Comment: BS1, BS2, BP4, BP7

Blueprint Genetics
Classification: Likely benign. Last evaluated: 2024-11-27. Review status: criteria provided, single submitter. Criteria: ACMG Guidelines, 2015. Collection method: clinical testing. Allele origin: germline.

GeneDx
Classification: Likely benign. Last evaluated: 2020-02-17. Review status: criteria provided, single submitter. Criteria: GeneDx Variant Classification Process June 2021. Collection method: clinical testing. Allele origin: germline. Affected: yes.

Johns Hopkins Genomics, Johns Hopkins University
Classification: Benign for Interstitial lung disease due to ABCA3 deficiency. Last evaluated: 2020-02-03. Review status: criteria provided, single submitter. Criteria: ACMG Guidelines, 2015. Collection method: clinical testing. Allele origin: germline.

Illumina Laboratory Services, Illumina
Classification: Benign for Interstitial lung disease due to ABCA3 deficiency. Last evaluated: 2017-04-27. Review status: criteria provided, single submitter. Criteria: ICSL Variant Classification Criteria 13 December 2019. Collection method: clinical testing. Allele origin: germline.
Comment: This variant was observed as part of a predisposition screen in an ostensibly healthy population. A literature search was performed for the gene, cDNA change, and amino acid change (where applicable). Publications were found based on this search. The evidence from the literature, in combination with allele frequency data from public databases where available, was sufficient to rule this variant out of causing disease. Therefore, this variant is classified as benign.

Laboratory for Molecular Medicine, Mass General Brigham Personalized Medicine
Classification: Benign. Last evaluated: 2016-07-28. Review status: criteria provided, single submitter. Criteria: LMM Criteria. Collection method: clinical testing. Allele origin: germline. Observed: 2 variant alleles.
Comment: c.4165-8G>A in intron 27 of ABCA3: This variant is not expected to have clinical significance because it has been identified in 2% (677/66082) of European chrom osomes, including 7 homozygotes by the Exome Aggregation Consortium (ExAC; dbSNP rs138769732).

Ambry Genetics
Classification: Likely benign for Hereditary pulmonary alveolar proteinosis. Last evaluated: 2015-09-18. Review status: criteria provided, single submitter. Criteria: Ambry Variant Classification Scheme 2023. Collection method: clinical testing. Allele origin: germline.

Breakthrough Genomics
Classification: Likely benign. Review status: criteria provided, single submitter. Criteria: ACMG Guidelines, 2015. Collection method: not provided. Allele origin: germline. Inheritance: Autosomal recessive inheritance. Affected: yes.

Literature cited by the submitters: PubMed 25113300 (cited by Johns Hopkins Genomics, Johns Hopkins University and Illumina Laboratory Services, Illumina).